The following is an entry in ClinVar:

ClinVar aggregate classification (germline): Uncertain significance (1 of 4 stars; one submission).

Conditions:
Ataxia-telangiectasia syndrome (AT). Also called: Ataxia telangiectasia (A-T); LOUIS-BAR SYNDROME; Cerebello-oculocutaneous telangiectasia; Immunodeficiency with ataxia telangiectasia; Ataxia-telangiectasia, complementation group D; AT, COMPLEMENTATION GROUP C. Identifiers: Orphanet 100, MedGen C0004135, MONDO:0008840, OMIM 208900.

Submission:

Labcorp Genetics (formerly Invitae), Labcorp
Classification: Uncertain significance for Ataxia-telangiectasia syndrome. Last evaluated: 2023-08-10. Review status: criteria provided, single submitter. Criteria: Invitae Variant Classification Sherloc (09022015). Collection method: clinical testing. Allele origin: germline.
Comment: Algorithms developed to predict the effect of sequence changes on RNA splicing suggest that this variant may disrupt the consensus splice site. This sequence change replaces methionine, which is neutral and non-polar, with isoleucine, which is neutral and non-polar, at codon 1755 of the ATM protein (p.Met1755Ile). This variant is not present in population databases (gnomAD no frequency). This variant has not been reported in the literature in individuals affected with ATM-related conditions. ClinVar contains an entry for this variant (Variation ID: 407487). An algorithm developed to predict the effect of missense changes on protein structure and function (PolyPhen-2) suggests that this variant is likely to be tolerated. In summary, the available evidence is currently insufficient to determine the role of this variant in disease. Therefore, it has been classified as a Variant of Uncertain Significance.

NM_000051.4(ATM):c.5265G>T (p.Met1755Ile)

Gene: ATM (ATM serine/threonine kinase; plus strand). Cytogenetic location: 11q22.3.
Variant type: single nucleotide variant.
Coding change: c.5265G>T on transcript NM_000051.4 (MANE Select); coding-DNA position 5265, G replaced by T.
Protein change: p.Met1755Ile; replaces methionine 1755 with isoleucine.
Molecular consequence: missense variant.
Genome position (GRCh38, 1-based): chr11:108,301,735, G>T. VCF-style: chr11-108301735-G-T. GRCh37 (hg19) VCF-style: chr11-108172462-G-T.
Other names: c.5265G>T, p.Met1755Ile (NM_001351834.2); short protein forms M1755I.
Identifiers: ClinVar variation 407487 (VCV000407487.8), dbSNP rs1060501556, ClinGen allele CA16613370.
Genomic context (GRCh38, chr11:108,301,735, plus strand): 5'-CTGTTTGAAAAACATTTTAGCCACAAAGACTGGACATAGTTTCTGGGAGATTTATAAGAT[G>T]ACAACAGATCCAATGCTGGCCTATCTACAGCCTTTTAGAACATCAAGAAAAAAGGTCTCT-3'
Protein context (NP_000042.3, residues 1745-1765): TGHSFWEIYK[Met1755Ile]TTDPMLAYLQ